The following is an entry in ClinVar:

NM_025136.4(OPA3):c.191G>A (p.Arg64Gln)

Genes: OPA3 (outer mitochondrial membrane lipid metabolism regulator OPA3; minus strand), OPA3-RTN2 (OPA3-RTN2 readthrough; minus strand). Cytogenetic location: 19q13.32.
Variant type: single nucleotide variant.
Coding change: c.191G>A on transcript NM_025136.4 (MANE Select); coding-DNA position 191, G replaced by A.
Protein change: p.Arg64Gln; replaces arginine 64 with glutamine.
Molecular consequence: missense variant. On other transcripts: intron variant (1).
Genome position (GRCh38, 1-based): chr19:45,553,863, C>T on the plus strand (G>A on the coding strand, the complement: OPA3 is on the minus strand). VCF-style: chr19-45553863-C-T. GRCh37 (hg19) VCF-style: chr19-46057121-C-T.
Other names: c.191G>A (NM_025136.3); c.143-24407G>A (NM_001017989.3); short protein forms R64Q.
Identifiers: ClinVar variation 3761306 (VCV003761306.3).

ClinVar aggregate classification (germline): Uncertain significance. Review status: criteria provided, multiple submitters, no conflicts (2 of 4 stars). 2 submissions from 2 submitters: Uncertain significance (2). Last evaluated 2025-05-26.

Conditions:
Inborn genetic diseases. Identifiers: MedGen C0950123, MeSH D030342.
Optic atrophy 3 (OPA3). Also called: OPTIC ATROPHY 3, AUTOSOMAL DOMINANT; Optic atrophy, cataract, and neurologic disorder; Optic atrophy 3 with cataract. Identifiers: Orphanet 67036, MedGen C1833809, MONDO:0008133, OMIM 165300.
3-Methylglutaconic aciduria type 3 (MGCA3). Also called: OPA3, AUTOSOMAL RECESSIVE; OPTIC ATROPHY 3, AUTOSOMAL RECESSIVE; OPA3-Related 3-Methylglutaconic Aciduria; Costeff Syndrome. Identifiers: Orphanet 67047, MedGen C0574084, MONDO:0009787, OMIM 258501.

Submissions (2):

Labcorp Genetics (formerly Invitae), Labcorp
Classification: Uncertain significance for 3-Methylglutaconic aciduria type 3; Optic atrophy 3. Last evaluated: 2025-05-26. Review status: criteria provided, single submitter. Criteria: Invitae Variant Classification Sherloc (09022015). Collection method: clinical testing. Allele origin: germline.
Comment: This sequence change replaces arginine, which is basic and polar, with glutamine, which is neutral and polar, at codon 64 of the OPA3 protein (p.Arg64Gln). This variant is present in population databases (rs764320249, gnomAD 0.003%). This variant has not been reported in the literature in individuals affected with OPA3-related conditions. ClinVar contains an entry for this variant (Variation ID: 3761306). An algorithm developed to predict the effect of missense changes on protein structure and function (PolyPhen-2) suggests that this variant is likely to be tolerated. In summary, the available evidence is currently insufficient to determine the role of this variant in disease. Therefore, it has been classified as a Variant of Uncertain Significance.

Ambry Genetics
Classification: Uncertain significance for Inborn genetic diseases. Last evaluated: 2025-01-17. Review status: criteria provided, single submitter. Criteria: Ambry Variant Classification Scheme 2023. Collection method: clinical testing. Allele origin: germline.